The following is an entry in ClinVar:

NM_006231.4(POLE):c.1739A>T (p.His580Leu)

Gene: POLE (DNA polymerase epsilon, catalytic subunit; minus strand). Cytogenetic location: 12q24.33.
Variant type: single nucleotide variant.
Coding change: c.1739A>T on transcript NM_006231.4 (MANE Select); coding-DNA position 1739, A replaced by T.
Protein change: p.His580Leu; replaces histidine 580 with leucine.
Molecular consequence: missense variant.
Genome position (GRCh38, 1-based): chr12:132,672,270, T>A on the plus strand (A>T on the coding strand, the complement: POLE is on the minus strand). VCF-style: chr12-132672270-T-A. GRCh37 (hg19) VCF-style: chr12-133248856-T-A.
Other names: short protein forms H580L.
Identifiers: ClinVar variation 3781514 (VCV003781514.1).

ClinVar aggregate classification (germline): Uncertain significance (1 of 4 stars; one submission).

Conditions:
Hereditary cancer-predisposing syndrome. Also called: Neoplastic Syndromes, Hereditary; Hereditary Cancer Syndrome; Tumor predisposition; Hereditary neoplastic syndrome. Identifiers: Orphanet 140162, MedGen C0027672, MeSH D009386, MONDO:0015356.

gnomAD v4.1: 1 of 1,614,144 alleles (0.000062%); highest among the groups gnomAD compares: Non-Finnish European, 0.000085%; no homozygotes.

Submission:

Ambry Genetics
Classification: Uncertain significance for Hereditary cancer-predisposing syndrome. Last evaluated: 2024-12-12. Review status: criteria provided, single submitter. Criteria: Ambry Variant Classification Scheme 2023. Collection method: clinical testing. Allele origin: germline.
Comment: The p.H580L variant (also known as c.1739A>T), located in coding exon 16 of the POLE gene, results from an A to T substitution at nucleotide position 1739. The histidine at codon 580 is replaced by leucine, an amino acid with similar properties. This amino acid position is conserved. In addition, the in silico prediction for this alteration is inconclusive. Based on the available evidence, the clinical significance of this variant remains unclear.